The following is an entry in ClinVar:

NM_000059.4(BRCA2):c.6937+90_7008-2768dup

Gene: BRCA2 (BRCA2 DNA repair associated; plus strand). Cytogenetic location: 13q13.1.
Variant type: Duplication.
Coding change: c.6937+90_7008-2768dup on transcript NM_000059.4 (MANE Select); 90 bases into the intron after coding-DNA position 6937 through 2768 bases into the intron before coding-DNA position 7008, 7,351 bases duplicated.
Molecular consequence: splice acceptor variant, splice donor variant.
Genome position (GRCh38, 1-based): chr13:32,344,743-32,352,093, 7,351 bases duplicated. GRCh37 (hg19): chr13:32,918,880-32,926,230.
Identifiers: ClinVar variation 1756224 (VCV001756224.2).

ClinVar aggregate classification (germline): Pathogenic (1 of 4 stars; one submission).

Conditions:
Hereditary cancer-predisposing syndrome. Also called: Neoplastic Syndromes, Hereditary; Tumor predisposition; Hereditary Cancer Syndrome; Hereditary neoplastic syndrome. Identifiers: Orphanet 140162, MedGen C0027672, MeSH D009386, MONDO:0015356.

Submission:

Ambry Genetics
Classification: Pathogenic for Hereditary cancer-predisposing syndrome. Last evaluated: 2017-07-11. Review status: criteria provided, single submitter. Criteria: Ambry Variant Classification Scheme 2023. Collection method: clinical testing. Allele origin: germline.
Comment: The EX12dup gross duplication spans coding exon 12 in the BRCA2 gene. Additional analysis to determine breakpoints identified that this duplication is in tandem and is predicted to result in a translational frameshift with a predicted alternate stop codon (Ambry internal data). As such, this alteration is interpreted as a disease-causing mutation.